The following is an entry in ClinVar:

NM_014915.3(ANKRD26):c.874+10T>A

Gene: ANKRD26 (ankyrin repeat domain 26; minus strand). Cytogenetic location: 10p12.1.
Variant type: single nucleotide variant.
Coding change: c.874+10T>A on transcript NM_014915.3 (MANE Select); 10 bases into the intron after coding-DNA position 874, T replaced by A.
Molecular consequence: intron variant.
Genome position (GRCh38, 1-based): chr10:27,077,623, A>T on the plus strand (T>A on the coding strand, the complement: ANKRD26 is on the minus strand). VCF-style: chr10-27077623-A-T. GRCh37 (hg19) VCF-style: chr10-27366552-A-T.
Other names: c.874+10T>A (NM_001256053.2).
Identifiers: ClinVar variation 2189842 (VCV002189842.4), dbSNP rs1238881796, ClinGen allele CA663328140.
Genomic context (GRCh38, chr10:27,077,623, plus strand): 5'-AGTAAATGAAAATATATGTAATTAAGAATCAGTGAATAACACAAGAATAAGCAGTTTTCA[A>T]ACAGCTTACAATTTTTCCTGGATTGCTGAGAAGCAGTCATTAGCTTTGCTAAGCTTGGTT-3'

ClinVar aggregate classification (germline): Uncertain significance (1 of 4 stars; one submission).

Allele frequency attached by ClinVar (database versions not stated): TOPMed 0.00001.

Submission:

Labcorp Genetics (formerly Invitae), Labcorp
Classification: Uncertain significance. Last evaluated: 2022-03-26. Review status: criteria provided, single submitter. Criteria: Invitae Variant Classification Sherloc (09022015). Collection method: clinical testing. Allele origin: germline.
Comment: This variant is not present in population databases (gnomAD no frequency). This sequence change falls in intron 8 of the ANKRD26 gene. It does not directly change the encoded amino acid sequence of the ANKRD26 protein. This variant has not been reported in the literature in individuals affected with ANKRD26-related conditions. In summary, the available evidence is currently insufficient to determine the role of this variant in disease. Therefore, it has been classified as a Variant of Uncertain Significance. Algorithms developed to predict the effect of sequence changes on RNA splicing suggest that this variant may create or strengthen a splice site.